The following is an entry in ClinVar:

NM_007294.4(BRCA1):c.134+21T>A

Gene: BRCA1 (BRCA1 DNA repair associated; minus strand). Cytogenetic location: 17q21.31.
Variant type: single nucleotide variant.
Coding change: c.134+21T>A on transcript NM_007294.4 (MANE Select); 21 bases into the intron after coding-DNA position 134, T replaced by A.
Molecular consequence: intron variant.
Genome position (GRCh38, 1-based): chr17:43,115,705, A>T on the plus strand (T>A on the coding strand, the complement: BRCA1 is on the minus strand). VCF-style: chr17-43115705-A-T. GRCh37 (hg19) VCF-style: chr17-41267722-A-T.
Other names: c.-8+21T>A (NM_001408458.1, NM_001408470.1, NM_001407848.1 and 47 more transcripts); c.-219+9572T>A (NM_001407967.1); c.-170+9572T>A (NM_001407959.1); c.-7-9172T>A (NM_001407931.1, NM_001407747.1, NM_001408511.1 and 2 more transcripts); c.-170+21T>A (NM_001407962.1, NM_001408512.1, NM_001408510.1 and 1 more transcripts); c.-55+21T>A (NM_001407885.1, NM_001407886.1, NM_001408509.1 and 52 more transcripts); c.-124+21T>A (NM_001407746.1, NM_001408468.1, NM_001407842.1 and 13 more transcripts); c.-8+8312T>A (NM_001408461.1, NM_001407738.1, NM_001407932.1 and 23 more transcripts); and 10 more.
Identifiers: ClinVar variation 865171 (VCV000865171.3), dbSNP rs2055237571, ClinGen allele CA916080943.

Conditions:
Breast-ovarian cancer, familial, susceptibility to, 1 (BROVCA1). Also called: BRCA1 Hereditary Breast and Ovarian Cancer; OVARIAN CANCER, SUSCEPTIBILITY TO. Identifiers: Orphanet 145, MedGen C2676676, MONDO:0011450, OMIM 604370. Disease mechanism: loss of function.

Submission:

Brotman Baty Institute, University of Washington
No classification provided (evidence only). Condition: Breast-ovarian cancer, familial 1. Review status: no classification provided. Collection method: in vitro. Allele origin: not applicable. Functional consequence: functionally_normal.
ClinVar note: "not provided" was previously submitted as the classification for the variant. However, the classification appeared to be based only on an observation of functional data so it was converted to no classification on 2025-07-30.